The following is an entry in ClinVar:

ClinVar aggregate classification (germline): Uncertain significance (1 of 4 stars; one submission).

Submission:

GeneDx
Classification: Uncertain significance. Last evaluated: 2024-11-07. Review status: criteria provided, single submitter. Criteria: GeneDx Variant Classification Process June 2021. Collection method: clinical testing. Allele origin: germline. Affected: yes.
Comment: Not observed at significant frequency in large population cohorts (gnomAD); In silico analysis supports that this missense variant has a deleterious effect on protein structure/function; Has not been previously published as pathogenic or benign to our knowledge

NM_000719.7(CACNA1C):c.3760C>T (p.Leu1254Phe)

Gene: CACNA1C (calcium voltage-gated channel subunit alpha1 C; plus strand). Cytogenetic location: 12p13.33.
Variant type: single nucleotide variant.
Coding change: c.3760C>T on transcript NM_000719.7 (MANE Select); coding-DNA position 3760, C replaced by T.
Protein change: p.Leu1254Phe; replaces leucine 1254 with phenylalanine.
Molecular consequence: missense variant.
Genome position (GRCh38, 1-based): chr12:2,611,945, C>T. VCF-style: chr12-2611945-C-T. GRCh37 (hg19) VCF-style: chr12-2721111-C-T.
Other names: c.3820C>T, p.Leu1274Phe (NM_001129827.2, NM_001129832.2, NM_199460.4); c.3760C>T, p.Leu1254Phe (NM_001129829.2, NM_001129830.3, NM_001129831.2 and 15 more transcripts); c.3751C>T, p.Leu1251Phe (NM_001129844.2); short protein forms L1251F, L1254F, L1274F.
Identifiers: ClinVar variation 3898846 (VCV003898846.1).